The following is an entry in ClinVar:

ClinVar aggregate classification (germline): Uncertain significance (1 of 4 stars; one submission).

Conditions:
Charcot-Marie-Tooth disease axonal type 2C (HMSN2C). Also called: CHARCOT-MARIE-TOOTH DISEASE, AXONAL, AUTOSOMAL DOMINANT, TYPE 2C; Charcot-Marie-Tooth Neuropathy Type 2C; Charcot-Marie-Tooth Disease Type 2, TRPV4-Related (CMT2C). Identifiers: Orphanet 99937, MedGen C1853710, MONDO:0011633, OMIM 606071.

Submission:

Labcorp Genetics (formerly Invitae), Labcorp
Classification: Uncertain significance for Charcot-Marie-Tooth disease axonal type 2C. Last evaluated: 2022-12-24. Review status: criteria provided, single submitter. Criteria: Invitae Variant Classification Sherloc (09022015). Collection method: clinical testing. Allele origin: germline.
Comment: In summary, the available evidence is currently insufficient to determine the role of this variant in disease. Therefore, it has been classified as a Variant of Uncertain Significance. Advanced modeling of protein sequence and biophysical properties (such as structural, functional, and spatial information, amino acid conservation, physicochemical variation, residue mobility, and thermodynamic stability) has been performed at Invitae for this missense variant, however the output from this modeling did not meet the statistical confidence thresholds required to predict the impact of this variant on TRPV4 protein function. This variant has not been reported in the literature in individuals affected with TRPV4-related conditions. This variant is not present in population databases (gnomAD no frequency). This sequence change replaces proline, which is neutral and non-polar, with histidine, which is basic and polar, at codon 138 of the TRPV4 protein (p.Pro138His).

NM_021625.5(TRPV4):c.413C>A (p.Pro138His)

Gene: TRPV4 (transient receptor potential cation channel subfamily V member 4; minus strand). Cytogenetic location: 12q24.11.
Variant type: single nucleotide variant.
Coding change: c.413C>A on transcript NM_021625.5 (MANE Select); coding-DNA position 413, C replaced by A.
Protein change: p.Pro138His; replaces proline 138 with histidine.
Molecular consequence: missense variant.
Genome position (GRCh38, 1-based): chr12:109,808,442, G>T on the plus strand (C>A on the coding strand, the complement: TRPV4 is on the minus strand). VCF-style: chr12-109808442-G-T. GRCh37 (hg19) VCF-style: chr12-110246247-G-T.
Other names: c.413C>A, p.Pro138His (NM_001177428.2, NM_001177433.2, NM_147204.3); c.311C>A, p.Pro104His (NM_001177431.2); short protein forms P104H, P138H.
Identifiers: ClinVar variation 2823892 (VCV002823892.3), dbSNP rs148779865, ClinGen allele CA386657395.